The following is an entry in ClinVar:

ClinVar aggregate classification (germline): Uncertain significance (1 of 4 stars; one submission).

Allele frequency attached by ClinVar (database versions not stated): TOPMed 0.00001.

Submission:

Labcorp Genetics (formerly Invitae), Labcorp
Classification: Uncertain significance. Last evaluated: 2022-07-11. Review status: criteria provided, single submitter. Criteria: Invitae Variant Classification Sherloc (09022015). Collection method: clinical testing. Allele origin: germline.
Comment: Algorithms developed to predict the effect of missense changes on protein structure and function (SIFT, PolyPhen-2, Align-GVGD) all suggest that this variant is likely to be tolerated. This variant has not been reported in the literature in individuals affected with NYX-related conditions. This variant is not present in population databases (gnomAD no frequency). This sequence change replaces serine, which is neutral and polar, with alanine, which is neutral and non-polar, at codon 210 of the NYX protein (p.Ser210Ala). In summary, the available evidence is currently insufficient to determine the role of this variant in disease. Therefore, it has been classified as a Variant of Uncertain Significance.

NM_001378477.3(NYX):c.613T>G (p.Ser205Ala)

Gene: NYX (nyctalopin; plus strand). Cytogenetic location: Xp11.4.
Variant type: single nucleotide variant.
Coding change: c.613T>G on transcript NM_001378477.3 (MANE Select); coding-DNA position 613, T replaced by G.
Protein change: p.Ser205Ala; replaces serine 205 with alanine.
Molecular consequence: missense variant.
Genome position (GRCh38, 1-based): chrX:41,474,081, T>G. VCF-style: chrX-41474081-T-G. GRCh37 (hg19) VCF-style: chrX-41333334-T-G.
Other names: c.613T>G, p.Ser205Ala (NM_022567.3); short protein forms S205A.
Identifiers: ClinVar variation 2016119 (VCV002016119.4), dbSNP rs2064376651, ClinGen allele CA412990910.